The following is an entry in ClinVar:

ClinVar aggregate classification (germline): Uncertain significance. Review status: criteria provided, multiple submitters, no conflicts (2 of 4 stars). 6 submissions from 6 submitters: Uncertain significance (6). Last evaluated 2025-10-07.

Conditions:
Hereditary cancer-predisposing syndrome. Also called: Tumor predisposition; Hereditary neoplastic syndrome; Hereditary Cancer Syndrome; Neoplastic Syndromes, Hereditary. Identifiers: Orphanet 140162, MedGen C0027672, MeSH D009386, MONDO:0015356.
Endometrial carcinoma. Also called: Endometrial carcinoma, somatic. Identifiers: MedGen C0476089, MONDO:0002447, OMIM 608089, HP:0012114.
Hereditary nonpolyposis colorectal neoplasms. Identifiers: MedGen C0009405, MeSH D003123.
Lynch syndrome. Identifiers: Orphanet 144, MedGen C4552100, MONDO:0005835. Disease mechanism: loss of function.

gnomAD v4.1: 2 of 1,613,840 alleles (0.00012%); highest among the groups gnomAD compares: Non-Finnish European, 0.00017%; no homozygotes.

Submissions (6):

Color Diagnostics, LLC DBA Color Health
Classification: Uncertain significance for Hereditary cancer-predisposing syndrome. Last evaluated: 2025-10-07. Review status: criteria provided, single submitter. Criteria: ACMG Guidelines, 2015. Collection method: clinical testing. Allele origin: germline.
Comment: This missense variant replaces proline with leucine at codon 233 of the MSH6 protein. Computational prediction suggests that this variant may not impact protein structure and function. To our knowledge, functional studies have not been reported for this variant. This variant has not been reported in individuals affected with MSH6-related disorders in the literature. This variant has been identified in 2/1461638 chromosomes in the general population by the Genome Aggregation Database (gnomAD). The available evidence is insufficient to determine the role of this variant in disease conclusively. Therefore, this variant is classified as a Variant of Uncertain Significance.

Labcorp Genetics (formerly Invitae), Labcorp
Classification: Uncertain significance for Hereditary nonpolyposis colorectal neoplasms. Last evaluated: 2025-07-30. Review status: criteria provided, single submitter. Criteria: Invitae Variant Classification Sherloc (09022015). Collection method: clinical testing. Allele origin: germline.
Comment: This sequence change replaces proline, which is neutral and non-polar, with leucine, which is neutral and non-polar, at codon 233 of the MSH6 protein (p.Pro233Leu). This variant is not present in population databases (gnomAD no frequency). This variant has not been reported in the literature in individuals affected with MSH6-related conditions. ClinVar contains an entry for this variant (Variation ID: 937367). Invitae Evidence Modeling of protein sequence and biophysical properties (such as structural, functional, and spatial information, amino acid conservation, physicochemical variation, residue mobility, and thermodynamic stability) indicates that this missense variant is not expected to disrupt MSH6 protein function with a negative predictive value of 95%. In summary, the available evidence is currently insufficient to determine the role of this variant in disease. Therefore, it has been classified as a Variant of Uncertain Significance.

GeneDx
Classification: Uncertain significance. Last evaluated: 2025-04-02. Review status: criteria provided, single submitter. Criteria: GeneDx Variant Classification Process June 2021. Collection method: clinical testing. Allele origin: germline. Affected: yes.
Comment: Not observed at significant frequency in large population cohorts (gnomAD); In silico analysis supports that this missense variant has a deleterious effect on protein structure/function; Has not been previously published as pathogenic or benign to our knowledge; This variant is associated with the following publications: (PMID: 21437237)

Ambry Genetics
Classification: Uncertain significance for Hereditary cancer-predisposing syndrome. Last evaluated: 2024-11-07. Review status: criteria provided, single submitter. Criteria: Ambry Variant Classification Scheme 2023. Collection method: clinical testing. Allele origin: germline.
Comment: The p.P233L variant (also known as c.698C>T), located in coding exon 4 of the MSH6 gene, results from a C to T substitution at nucleotide position 698. The proline at codon 233 is replaced by leucine, an amino acid with similar properties. This amino acid position is not well conserved in available vertebrate species. In addition, this alteration is predicted to be tolerated by in silico analysis. Based on the available evidence, the clinical significance of this variant remains unclear.

Baylor Genetics
Classification: Uncertain significance for Endometrial carcinoma. Last evaluated: 2024-03-07. Review status: criteria provided, single submitter. Criteria: ACMG Guidelines, 2015. Collection method: clinical testing. Allele origin: unknown.

All of Us Research Program, National Institutes of Health
Classification: Uncertain significance for Lynch syndrome. Last evaluated: 2024-01-11. Review status: criteria provided, single submitter. Criteria: ACMG Guidelines, 2015. Collection method: clinical testing. Allele origin: germline. Inheritance: Autosomal dominant inheritance. Observed: 1 variant allele, 1 heterozygote.
Comment: This study involves interpretation of variants in research participants for the purpose of population health screening. Participant phenotype was not available at the time of variant classification. Additional details can be found in publication PMID: 35346344, PMCID: PMC8962531

NM_000179.3(MSH6):c.698C>T (p.Pro233Leu)

Gene: MSH6 (mutS homolog 6; plus strand). Cytogenetic location: 2p16.3.
Variant type: single nucleotide variant.
Coding change: c.698C>T on transcript NM_000179.3 (MANE Select); coding-DNA position 698, C replaced by T.
Protein change: p.Pro233Leu; replaces proline 233 with leucine.
Molecular consequence: missense variant. On other transcripts: 5 prime UTR variant (2).
Genome position (GRCh38, 1-based): chr2:47,798,681, C>T. VCF-style: chr2-47798681-C-T. GRCh37 (hg19) VCF-style: chr2-48025820-C-T.
Other names: c.308C>T, p.Pro103Leu (NM_001281492.2); c.-209C>T (NM_001281493.2, NM_001281494.2); short protein forms P103L, P233L.
Identifiers: ClinVar variation 937367 (VCV000937367.16), dbSNP rs142949377, ClinGen allele CA346739964.
Genomic context (GRCh38, chr2:47,798,681, plus strand): 5'-CTTACGTAACAGATAAGAGTGAAGAAGATAATGAAATTGAGAGTGAAGAGGAAGTACAGC[C>T]TAAGACACAAGGATCTAGGCGAAGTAGCCGCCAAATAAAAAAACGAAGGGTCATATCAGA-3'
Protein context (NP_000170.1, residues 223-243): NEIESEEEVQ[Pro233Leu]KTQGSRRSSR